The following is an entry in ClinVar:

NM_002470.4(MYH3):c.4066G>A (p.Ala1356Thr)

Gene: MYH3 (myosin heavy chain 3; minus strand). Cytogenetic location: 17p13.1.
Variant type: single nucleotide variant.
Coding change: c.4066G>A on transcript NM_002470.4 (MANE Select); coding-DNA position 4066, G replaced by A.
Protein change: p.Ala1356Thr; replaces alanine 1356 with threonine.
Molecular consequence: missense variant.
Genome position (GRCh38, 1-based): chr17:10,635,473, C>T on the plus strand (G>A on the coding strand, the complement: MYH3 is on the minus strand). VCF-style: chr17-10635473-C-T. GRCh37 (hg19) VCF-style: chr17-10538790-C-T.
Other names: short protein forms A1356T.
Identifiers: ClinVar variation 2859292 (VCV002859292.3), dbSNP rs2074205451, ClinGen allele CA398145089.
Genomic context (GRCh38, chr17:10,635,473, plus strand): 5'-ATTTGGTTCTCCACTGGGCAACCTCACTATTGGCCTTGGACAGCGCCCTCTGCAGCTCAG[C>T]TTTGCCTTCCTGCTCCTCCTCATACTGTTCCCGCAGCAGGTCACAGTCGTGGCGGGAGGA-3'
Protein context (NP_002461.2, residues 1346-1366): EQYEEEQEGK[Ala1356Thr]ELQRALSKAN

ClinVar aggregate classification (germline): Uncertain significance (1 of 4 stars; one submission).

Allele frequency attached by ClinVar (database versions not stated): TOPMed below 0.00001.

Submission:

Labcorp Genetics (formerly Invitae), Labcorp
Classification: Uncertain significance. Last evaluated: 2023-04-26. Review status: criteria provided, single submitter. Criteria: Invitae Variant Classification Sherloc (09022015). Collection method: clinical testing. Allele origin: germline.
Comment: This variant is not present in population databases (gnomAD no frequency). In summary, the available evidence is currently insufficient to determine the role of this variant in disease. Therefore, it has been classified as a Variant of Uncertain Significance. Advanced modeling of protein sequence and biophysical properties (such as structural, functional, and spatial information, amino acid conservation, physicochemical variation, residue mobility, and thermodynamic stability) performed at Invitae indicates that this missense variant is not expected to disrupt MYH3 protein function. This variant has not been reported in the literature in individuals affected with MYH3-related conditions. This sequence change replaces alanine, which is neutral and non-polar, with threonine, which is neutral and polar, at codon 1356 of the MYH3 protein (p.Ala1356Thr).